The following is an entry in ClinVar:

ClinVar aggregate classification (germline): Likely pathogenic (1 of 4 stars; one submission).

Conditions:
Charcot-Marie-Tooth disease axonal type 2O. Also called: Charcot-Marie-Tooth disease, axonal, type 20; CHARCOT-MARIE-TOOTH NEUROPATHY, AXONAL, TYPE 2O; CHARCOT-MARIE-TOOTH DISEASE, AXONAL, AUTOSOMAL DOMINANT, TYPE 2O; Charcot-Marie-Tooth Neuropathy Type 2O. Identifiers: Orphanet 284232, MedGen C3280220, MONDO:0013644, OMIM 614228.

Submission:

Labcorp Genetics (formerly Invitae), Labcorp
Classification: Likely pathogenic for Charcot-Marie-Tooth disease axonal type 2O. Last evaluated: 2017-10-08. Review status: criteria provided, single submitter. Criteria: Invitae Variant Classification Sherloc (09022015). Collection method: clinical testing. Allele origin: germline.
Comment: This sequence change replaces leucine with proline at codon 3387 of the DYNC1H1 protein (p.Leu3387Pro). The leucine residue is highly conserved and there is a moderate physicochemical difference between leucine and proline. In summary, the currently available evidence indicates that the variant is pathogenic, but additional data are needed to prove that conclusively. Therefore, this variant has been classified as Likely Pathogenic. Algorithms developed to predict the effect of missense changes on protein structure and function do not agree on the potential impact of this missense change (SIFT: "Deleterious"; PolyPhen-2: "Benign"; Align-GVGD: "Class C25"). This variant is not present in population databases (ExAC no frequency).

NM_001376.5(DYNC1H1):c.10160T>C (p.Leu3387Pro)

Gene: DYNC1H1 (dynein cytoplasmic 1 heavy chain 1; plus strand). Cytogenetic location: 14q32.31.
Variant type: single nucleotide variant.
Coding change: c.10160T>C on transcript NM_001376.5 (MANE Select); coding-DNA position 10160, T replaced by C.
Protein change: p.Leu3387Pro; replaces leucine 3387 with proline.
Molecular consequence: missense variant.
Genome position (GRCh38, 1-based): chr14:102,033,145, T>C. VCF-style: chr14-102033145-T-C. GRCh37 (hg19) VCF-style: chr14-102499482-T-C.
Other names: short protein forms L3387P.
Identifiers: ClinVar variation 572088 (VCV000572088.8), dbSNP rs1567019064, ClinGen allele CA391022455.
Genomic context (GRCh38, chr14:102,033,145, plus strand): 5'-TGAAGAAAAATTACATGTCCAATCCAAGTTACAATTATGAAATTGTGAATCGGGCTTCCC[T>C]GGCTTGCGGCCCTATGGTGAAATGGGCAATTGCACAGGTGATTAACACAGCCAGGAGCTC-3'
Protein context (NP_001367.2, residues 3377-3397): YNYEIVNRAS[Leu3387Pro]ACGPMVKWAI